The following is an entry in ClinVar:

NM_000138.5(FBN1):c.76G>C (p.Asp26His)

Genes: FBN1 (fibrillin 1; minus strand), LOC130057019 (ATAC-STARR-seq lymphoblastoid silent region 6417; plus strand). Cytogenetic location: 15q21.1.
Variant type: single nucleotide variant.
Coding change: c.76G>C on transcript NM_000138.5 (MANE Select); coding-DNA position 76, G replaced by C.
Protein change: p.Asp26His; replaces aspartic acid 26 with histidine.
Molecular consequence: missense variant.
Genome position (GRCh38, 1-based): chr15:48,644,694, C>G on the plus strand (G>C on the coding strand, the complement: FBN1 is on the minus strand). VCF-style: chr15-48644694-C-G. GRCh37 (hg19) VCF-style: chr15-48936891-C-G.
Other names: short protein forms D26H.
Identifiers: ClinVar variation 922799 (VCV000922799.18), dbSNP rs146267697, ClinGen allele CA059038.

ClinVar aggregate classification (germline): Conflicting classifications of pathogenicity. Review status: criteria provided, conflicting classifications (1 of 4 stars). 5 submissions from 5 submitters: Uncertain significance (2); Benign (1); Likely benign (2). Last evaluated 2025-07-11.

Conditions:
Marfan syndrome (MFS). Also called: Marfan syndrome, classic; Marfan syndrome type 1; Marfan's syndrome; FBN1-Related Marfan Syndrome; MARFAN SYNDROME, TYPE I. Identifiers: Orphanet 284963, Orphanet 558, MedGen C0024796, MONDO:0007947, OMIM 154700.
Familial thoracic aortic aneurysm and aortic dissection (TAAD). Also called: Thoracic aortic aneurysms and dissections. Identifiers: Orphanet 91387, MedGen C4707243, MONDO:0019625.

Allele frequency attached by ClinVar (database versions not stated): gnomAD exomes 0.00003; TOPMed 0.00014; ExAC 0.00004; gnomAD 0.00015 and 0.00018; ESP Exome Variant Server 0.00023.
gnomAD v4.1: 37 of 1,614,082 alleles (0.0023%); highest among the groups gnomAD compares: African/African-American, 0.048%; no homozygotes.

Submissions (5):

Ambry Genetics
Classification: Likely benign for Familial thoracic aortic aneurysm and aortic dissection. Last evaluated: 2025-07-11. Review status: criteria provided, single submitter. Criteria: Ambry Variant Classification Scheme 2023. Collection method: clinical testing. Allele origin: germline.

Labcorp Genetics (formerly Invitae), Labcorp
Classification: Benign for Marfan syndrome; Familial thoracic aortic aneurysm and aortic dissection. Last evaluated: 2025-05-22. Review status: criteria provided, single submitter. Criteria: Invitae Variant Classification Sherloc (09022015). Collection method: clinical testing. Allele origin: germline.

Women's Health and Genetics/Laboratory Corporation of America, LabCorp
Classification: Likely benign. Last evaluated: 2024-09-23. Review status: criteria provided, single submitter. Criteria: LabCorp Variant Classification Summary - May 2015. Collection method: clinical testing. Allele origin: germline.
Comment: Variant summary: FBN1 c.76G>C (p.Asp26His) results in a non-conservative amino acid change in the encoded protein sequence. Three of five in-silico tools predict a benign effect of the variant on protein function. The variant allele was found at a frequency of 2.3e-05 in 1614082 control chromosomes, predominantly at a frequency of 0.00048 within the African or African-American subpopulation in the gnomAD database (v4). The observed variant frequency within African or African-American control individuals in the gnomAD database is approximately 4 fold of the estimated maximal expected allele frequency for a pathogenic variant in FBN1 causing Marfan Syndrome phenotype (0.00011). To our knowledge, no occurrence of c.76G>C in individuals affected with Marfan Syndrome and no experimental evidence demonstrating its impact on protein function have been reported. ClinVar contains an entry for this variant (Variation ID: 922799). Based on the evidence outlined above, the variant was classified as likely benign.

All of Us Research Program, National Institutes of Health
Classification: Uncertain significance for Marfan syndrome. Last evaluated: 2024-05-24. Review status: criteria provided, single submitter. Criteria: ACMG Guidelines, 2015. Collection method: clinical testing. Allele origin: germline. Inheritance: Autosomal dominant inheritance. Observed: 8 variant alleles, 8 heterozygotes.
Comment: Variant of Uncertain Significance due to insufficient evidence: This missense variant is located in the propeptide sequence of the FBN1 protein. Computational prediction tools and conservation analyses are inconclusive regarding the impact of this variant on the protein function. Computational splicing tools suggest that this variant may not impact RNA splicing. To our knowledge, functional assays have not been performed for this variant nor has this variant been reported in individuals affected with cardiovascular disorders in the literature. This variant has been identified in 13/277192 chromosomes in the general population by the Genome Aggregation Database (gnomAD). Available evidence is insufficient to determine the role of this variant in disease conclusively.

This study involves interpretation of variants in research participants for the purpose of population health screening. Participant phenotype was not available at the time of variant classification. Additional details can be found in publication PMID: 35346344, PMCID: PMC8962531

Color Diagnostics, LLC DBA Color Health
Classification: Uncertain significance for Familial thoracic aortic aneurysm and aortic dissection. Last evaluated: 2024-02-09. Review status: criteria provided, single submitter. Criteria: ACMG Guidelines, 2015. Collection method: clinical testing. Allele origin: germline.
Comment: This missense variant replaces aspartic acid with histidine at codon 26 of the FBN1 protein. Computational prediction tools indicate that this variant has a neutral impact on protein structure and function. To our knowledge, functional studies have not been reported for this variant. This variant has not been reported in individuals affected with FBN1-related disorders in the literature. This variant has been identified in 13/282850 chromosomes in the general population by the Genome Aggregation Database (gnomAD). The available evidence is insufficient to determine the role of this variant in disease conclusively. Therefore, this variant is classified as a Variant of Uncertain Significance.